The following is an entry in ClinVar:

NM_000138.5(FBN1):c.2519C>A (p.Pro840Gln)

Gene: FBN1 (fibrillin 1; minus strand). Cytogenetic location: 15q21.1.
Variant type: single nucleotide variant.
Coding change: c.2519C>A on transcript NM_000138.5 (MANE Select); coding-DNA position 2519, C replaced by A.
Protein change: p.Pro840Gln; replaces proline 840 with glutamine.
Molecular consequence: missense variant.
Genome position (GRCh38, 1-based): chr15:48,495,489, G>T on the plus strand (C>A on the coding strand, the complement: FBN1 is on the minus strand). VCF-style: chr15-48495489-G-T. GRCh37 (hg19) VCF-style: chr15-48787686-G-T.
Other names: c.2519C>A, p.Pro840Gln (NM_001406716.1); short protein forms P840Q.
Identifiers: ClinVar variation 2105208 (VCV002105208.4), dbSNP rs397515777, ClinGen allele CA392334296.

ClinVar aggregate classification (germline): Uncertain significance (1 of 4 stars; one submission).

Conditions:
Familial thoracic aortic aneurysm and aortic dissection (TAAD). Also called: Thoracic aortic aneurysms and dissections. Identifiers: Orphanet 91387, MedGen C4707243, MONDO:0019625.
Marfan syndrome (MFS). Also called: MARFAN SYNDROME, TYPE I; Marfan syndrome type 1; Marfan's syndrome; Marfan syndrome, classic; FBN1-Related Marfan Syndrome. Identifiers: Orphanet 284963, Orphanet 558, MedGen C0024796, MONDO:0007947, OMIM 154700.

Submission:

Labcorp Genetics (formerly Invitae), Labcorp
Classification: Uncertain significance for Marfan syndrome; Familial thoracic aortic aneurysm and aortic dissection. Last evaluated: 2022-10-03. Review status: criteria provided, single submitter. Criteria: Invitae Variant Classification Sherloc (09022015). Collection method: clinical testing. Allele origin: germline.
Comment: Advanced modeling of protein sequence and biophysical properties (such as structural, functional, and spatial information, amino acid conservation, physicochemical variation, residue mobility, and thermodynamic stability) performed at Invitae indicates that this missense variant is not expected to disrupt FBN1 protein function. In summary, the available evidence is currently insufficient to determine the role of this variant in disease. Therefore, it has been classified as a Variant of Uncertain Significance. This variant has not been reported in the literature in individuals affected with FBN1-related conditions. This variant is not present in population databases (gnomAD no frequency). This sequence change replaces proline, which is neutral and non-polar, with glutamine, which is neutral and polar, at codon 840 of the FBN1 protein (p.Pro840Gln).